The following is an entry in ClinVar:

ClinVar aggregate classification (germline): Uncertain significance. Review status: criteria provided, multiple submitters, no conflicts (2 of 4 stars). 4 submissions from 4 submitters: Uncertain significance (4). Last evaluated 2024-08-01.

Conditions:
Autosomal recessive ataxia, Beauce type. Also called: SYNE1 Deficiency; Spinocerebellar ataxia, autosomal recessive 8; SYNE1-Related Autosomal Recessive Cerebellar Ataxia; ATAXIA, RECESSIVE, OF BEAUCE. Identifiers: Orphanet 88644, MedGen C1853116, MONDO:0012549, OMIM 610743.
Emery-Dreifuss muscular dystrophy 4, autosomal dominant (EDMD4). Also called: EMERY-DREIFUSS MUSCULAR DYSTROPHY 4 WITH VARIABLE FEATURES. Identifiers: Orphanet 261, MedGen C2751807, MONDO:0013071, OMIM 612998.

Allele frequency attached by ClinVar (database versions not stated): TOPMed 0.00001; ExAC 0.00002; gnomAD exomes 0.00002 and 0.00003; gnomAD 0.00003.
gnomAD v4.1: 32 of 1,614,022 alleles (0.002%); highest among the groups gnomAD compares: Middle Eastern, 0.016%; no homozygotes.

Submissions (4):

CeGaT Center for Human Genetics Tuebingen
Classification: Uncertain significance. Last evaluated: 2024-08-01. Review status: criteria provided, single submitter. Criteria: CeGaT Center For Human Genetics Tuebingen Variant Classification Criteria Version 2. Collection method: clinical testing. Allele origin: germline. Affected: yes. Observed: 1 variant allele.
Comment: SYNE1: PM2, PM5:Supporting, BP4

Labcorp Genetics (formerly Invitae), Labcorp
Classification: Uncertain significance for Emery-Dreifuss muscular dystrophy 4, autosomal dominant; Autosomal recessive ataxia, Beauce type. Last evaluated: 2022-07-23. Review status: criteria provided, single submitter. Criteria: Invitae Variant Classification Sherloc (09022015). Collection method: clinical testing. Allele origin: germline.
Comment: Algorithms developed to predict the effect of missense changes on protein structure and function (SIFT, PolyPhen-2, Align-GVGD) all suggest that this variant is likely to be disruptive. ClinVar contains an entry for this variant (Variation ID: 805538). This variant has not been reported in the literature in individuals affected with SYNE1-related conditions. This variant is present in population databases (rs777447487, gnomAD 0.006%). This sequence change replaces arginine, which is basic and polar, with tryptophan, which is neutral and slightly polar, at codon 3583 of the SYNE1 protein (p.Arg3583Trp). In summary, the available evidence is currently insufficient to determine the role of this variant in disease. Therefore, it has been classified as a Variant of Uncertain Significance.

Revvity Omics, Revvity
Classification: Uncertain significance. Last evaluated: 2021-08-04. Review status: criteria provided, single submitter. Criteria: ACMG Guidelines, 2015. Collection method: clinical testing. Allele origin: germline.

Athena Diagnostics
Classification: Uncertain significance. Last evaluated: 2019-03-19. Review status: criteria provided, single submitter. Criteria: Athena Diagnostics Criteria. Collection method: clinical testing. Allele origin: germline.

NM_182961.4(SYNE1):c.10726C>T (p.Arg3576Trp)

Gene: SYNE1 (spectrin repeat containing nuclear envelope protein 1; minus strand). Cytogenetic location: 6q25.2.
Variant type: single nucleotide variant.
Coding change: c.10726C>T on transcript NM_182961.4 (MANE Select); coding-DNA position 10726, C replaced by T.
Protein change: p.Arg3576Trp; replaces arginine 3576 with tryptophan.
Molecular consequence: missense variant.
Genome position (GRCh38, 1-based): chr6:152,354,859, G>A on the plus strand (C>T on the coding strand, the complement: SYNE1 is on the minus strand). VCF-style: chr6-152354859-G-A. GRCh37 (hg19) VCF-style: chr6-152675994-G-A.
Other names: c.10747C>T (NM_033071.3); c.10747C>T, p.Arg3583Trp (NM_033071.5); short protein forms R3576W, R3583W.
Identifiers: ClinVar variation 805538 (VCV000805538.24), dbSNP rs777447487, ClinGen allele CA4056889.